The following is an entry in ClinVar:

ClinVar aggregate classification (germline): Uncertain significance (1 of 4 stars; one submission).

Conditions:
Dilated cardiomyopathy 1G (CMD1G). Identifiers: Orphanet 154, MedGen C1858763, MONDO:0011400, OMIM 604145.
Autosomal recessive limb-girdle muscular dystrophy type 2J (LGMDR10). Also called: Limb-girdle muscular dystrophy, type 2J; MUSCULAR DYSTROPHY, LIMB-GIRDLE, AUTOSOMAL RECESSIVE 10. Identifiers: Orphanet 140922, MedGen C1837342, MONDO:0012127, OMIM 608807.

Submission:

Labcorp Genetics (formerly Invitae), Labcorp
Classification: Uncertain significance for Dilated cardiomyopathy 1G; Autosomal recessive limb-girdle muscular dystrophy type 2J. Last evaluated: 2022-02-08. Review status: criteria provided, single submitter. Criteria: Invitae Variant Classification Sherloc (09022015). Collection method: clinical testing. Allele origin: germline.
Comment: In summary, the available evidence is currently insufficient to determine the role of this variant in disease. Therefore, it has been classified as a Variant of Uncertain Significance. This variant is located in the M band of TTN (PMID: 25589632). Variants in this region may be relevant for neuromuscular disorders, but have not been definitively shown to cause cardiomyopathy (PMID: 23975875). Experimental studies and prediction algorithms are not available or were not evaluated, and the functional significance of this variant is currently unknown. This variant has not been reported in the literature in individuals affected with TTN-related conditions. This variant is not present in population databases (gnomAD no frequency). This sequence change replaces serine, which is neutral and polar, with proline, which is neutral and non-polar, at codon 33841 of the TTN protein (p.Ser33841Pro).

Literature cited by the submitters: PubMed 25589632; PubMed 23975875.

NM_001267550.2(TTN):c.101521T>C (p.Ser33841Pro)

Genes: TTN (titin; minus strand), TTN-AS1 (TTN antisense RNA 1; plus strand). Cytogenetic location: 2q31.2.
Variant type: single nucleotide variant.
Coding change: c.101521T>C on transcript NM_001267550.2 (MANE Select); coding-DNA position 101521, T replaced by C.
Protein change: p.Ser33841Pro; replaces serine 33841 with proline.
Molecular consequence: missense variant.
Genome position (GRCh38, 1-based): chr2:178,535,094, A>G on the plus strand (T>C on the coding strand, the complement: TTN is on the minus strand). VCF-style: chr2-178535094-A-G. GRCh37 (hg19) VCF-style: chr2-179399821-A-G.
Other names: c.96598T>C, p.Ser32200Pro (NM_001256850.1); c.74326T>C, p.Ser24776Pro (NM_003319.4); c.93817T>C, p.Ser31273Pro (NM_133378.4); c.74701T>C, p.Ser24901Pro (NM_133432.3); c.74902T>C, p.Ser24968Pro (NM_133437.4); short protein forms S24776P, S32200P, S31273P, S33841P, S24968P, S24901P.
Identifiers: ClinVar variation 2155263 (VCV002155263.4), dbSNP rs2468562289, ClinGen allele CA349420531.